The following is an entry in ClinVar:

NM_031229.4(RBCK1):c.1001G>A (p.Gly334Asp)

Gene: RBCK1 (RANBP2-type and C3HC4-type zinc finger containing 1; plus strand). Cytogenetic location: 20p13.
Variant type: single nucleotide variant.
Coding change: c.1001G>A on transcript NM_031229.4 (MANE Select); coding-DNA position 1001, G replaced by A.
Protein change: p.Gly334Asp; replaces glycine 334 with aspartic acid.
Molecular consequence: missense variant. On other transcripts: non-coding transcript variant (1).
Genome position (GRCh38, 1-based): chr20:422,210, G>A. VCF-style: chr20-422210-G-A. GRCh37 (hg19) VCF-style: chr20-402854-G-A.
Other names: p.Gly334Asp; c.491G>A, p.Gly164Asp (NM_001323956.2, NM_001323958.2); c.1052G>A, p.Gly351Asp (NM_001410770.1); c.875G>A, p.Gly292Asp (NM_006462.6); short protein forms G164D, G292D, G334D, G351D.
Identifiers: ClinVar variation 2683524 (VCV002683524.2), dbSNP rs139240943, ClinGen allele CA9723249.

ClinVar aggregate classification (germline): Uncertain significance. Review status: criteria provided, multiple submitters, no conflicts (2 of 4 stars). 2 submissions from 2 submitters: Uncertain significance (2). Last evaluated 2024-11-04.

Conditions:
Polyglucosan body myopathy type 1 (PGBM1). Also called: Polyglucosan body myopathy 1 with or without immunodeficiency; POLYGLUCOSAN BODY MYOPATHY WITHOUT IMMUNODEFICIENCY. Identifiers: Orphanet 329173, Orphanet 397937, MedGen C4014605, MONDO:0014389, OMIM 615895.

Allele frequency attached by ClinVar (database versions not stated): TOPMed below 0.00001; ExAC 0.00001; gnomAD 0.00001; ESP Exome Variant Server 0.00008; gnomAD exomes 0.00001.
gnomAD v4.1: 8 of 1,613,358 alleles (0.0005%); highest among the groups gnomAD compares: Non-Finnish European, 0.00068%; no homozygotes.

Submissions (2):

Revvity Omics, Revvity
Classification: Uncertain significance for Polyglucosan body myopathy type 1. Last evaluated: 2024-11-04. Review status: criteria provided, single submitter. Criteria: ACMG Guidelines, 2015. Collection method: clinical testing. Allele origin: germline.

Mayo Clinic Laboratories, Mayo Clinic
Classification: Uncertain significance. Last evaluated: 2022-10-12. Review status: criteria provided, single submitter. Criteria: ACMG Guidelines, 2015. Collection method: clinical testing. Allele origin: germline. Observed: 1 variant allele.
Comment: BP4